The following is an entry in ClinVar:

NM_018899.6(PCDHAC2):c.1161C>G (p.Leu387=)

Genes: PCDHA1 (protocadherin alpha 1; plus strand), PCDHA10 (protocadherin alpha 10; plus strand), PCDHA11 (protocadherin alpha 11; plus strand), PCDHA12 (protocadherin alpha 12; plus strand), PCDHA13 (protocadherin alpha 13; plus strand) and 11 more. Cytogenetic location: 5q31.3.
Variant type: single nucleotide variant.
Coding change: c.1161C>G on transcript NM_018899.6 (MANE Select); coding-DNA position 1161, C replaced by G.
Protein change: p.Leu387=; no amino-acid change (leucine 387 retained).
Molecular consequence: synonymous variant. On other transcripts: intron variant (17).
Genome position (GRCh38, 1-based): chr5:140,967,927, C>G. VCF-style: chr5-140967927-C-G. GRCh37 (hg19) VCF-style: chr5-140347512-C-G.
Other names: c.1161C>G, p.Leu387= (NM_031883.3); c.2395-11022C>G (NM_018900.4, NM_018906.3, NM_018909.4 and 3 more transcripts); c.1603-11022C>G (NM_031411.3, NM_031849.3); c.2389-11022C>G (NM_018905.3, NM_018901.4); c.2386-11022C>G (NM_018907.4); c.2353-11022C>G (NM_018908.3); c.2356-11022C>G (NM_018910.3); c.1600-11022C>G (NM_031860.3); and 3 more.
Identifiers: ClinVar variation 2655804 (VCV002655804.24), dbSNP rs782426020, ClinGen allele CA446826914.

ClinVar aggregate classification (germline): Likely benign (1 of 4 stars; one submission).

Submission:

CeGaT Center for Human Genetics Tuebingen
Classification: Likely benign. Last evaluated: 2023-04-01. Review status: criteria provided, single submitter. Criteria: CeGaT Center For Human Genetics Tuebingen Variant Classification Criteria Version 2. Collection method: clinical testing. Allele origin: germline. Affected: yes. Observed: 1 variant allele.
Comment: PCDHAC2: PM2:Supporting, BP4, BP7